The following is an entry in ClinVar:

NM_021224.6(ZNF462):c.6336C>T (p.Leu2112=)

Gene: ZNF462 (zinc finger protein 462; plus strand). Cytogenetic location: 9q31.2.
Variant type: single nucleotide variant.
Coding change: c.6336C>T on transcript NM_021224.6 (MANE Select); coding-DNA position 6336, C replaced by T.
Protein change: p.Leu2112=; no amino-acid change (leucine 2112 retained).
Molecular consequence: synonymous variant.
Genome position (GRCh38, 1-based): chr9:106,939,016, C>T. VCF-style: chr9-106939016-C-T. GRCh37 (hg19) VCF-style: chr9-109701297-C-T.
Other names: c.3741C>T, p.Leu1247= (NM_001347997.2).
Identifiers: ClinVar variation 2659394 (VCV002659394.25), dbSNP rs144415479, ClinGen allele CA5172214.

ClinVar aggregate classification (germline): Likely benign. Review status: criteria provided, multiple submitters, no conflicts (2 of 4 stars). 2 submissions from 2 submitters: Likely benign (2). Last evaluated 2026-04-01.

Allele frequency attached by ClinVar (database versions not stated): 1000 Genomes Project 30x 0.00016; 1000 Genomes Project 0.00020; ExAC 0.00061; gnomAD 0.00086; TOPMed 0.00107; ESP Exome Variant Server 0.00108; gnomAD exomes 0.00115.
gnomAD v4.1: 1,857 of 1,614,038 alleles (0.12%); highest among the groups gnomAD compares: Middle Eastern, 0.15%; 5 homozygotes.

Submissions (2):

CeGaT Center for Human Genetics Tuebingen
Classification: Likely benign. Last evaluated: 2026-04-01. Review status: criteria provided, single submitter. Criteria: CeGaT Center For Human Genetics Tuebingen Variant Classification Criteria Version 2. Collection method: clinical testing. Allele origin: germline. Affected: yes. Observed: 5 variant alleles.
Comment: ZNF462: BP4, BP7

Blueprint Genetics
Classification: Likely benign. Last evaluated: 2024-10-28. Review status: criteria provided, single submitter. Criteria: ACMG Guidelines, 2015. Collection method: clinical testing. Allele origin: germline.